The following is an entry in ClinVar:

ClinVar aggregate classification (germline): Uncertain significance (1 of 4 stars; one submission).

Conditions:
Inborn genetic diseases. Identifiers: MedGen C0950123, MeSH D030342.

Allele frequency attached by ClinVar (database versions not stated): gnomAD exomes below 0.00001.
gnomAD v4.1: 1 of 1,614,090 alleles (0.000062%); highest among the groups gnomAD compares: East Asian, 0.0022%; no homozygotes.

Submission:

Ambry Genetics
Classification: Uncertain significance for Inborn genetic diseases. Last evaluated: 2024-05-25. Review status: criteria provided, single submitter. Criteria: Ambry Variant Classification Scheme 2023. Collection method: clinical testing. Allele origin: germline.
Comment: The p.C92Y variant (also known as c.275G>A), located in coding exon 3 of the LRRK2 gene, results from a G to A substitution at nucleotide position 275. The cysteine at codon 92 is replaced by tyrosine, an amino acid with highly dissimilar properties. This amino acid position is conserved. In addition, the in silico prediction for this alteration is inconclusive. Since supporting evidence is limited at this time, the clinical significance of this alteration remains unclear.

NM_198578.4(LRRK2):c.275G>A (p.Cys92Tyr)

Gene: LRRK2 (leucine rich repeat kinase 2; plus strand). Cytogenetic location: 12q12.
Variant type: single nucleotide variant.
Coding change: c.275G>A on transcript NM_198578.4 (MANE Select); coding-DNA position 275, G replaced by A.
Protein change: p.Cys92Tyr; replaces cysteine 92 with tyrosine.
Molecular consequence: missense variant.
Genome position (GRCh38, 1-based): chr12:40,232,311, G>A. VCF-style: chr12-40232311-G-A. GRCh37 (hg19) VCF-style: chr12-40626113-G-A.
Other names: short protein forms C92Y.
Identifiers: ClinVar variation 1795667 (VCV001795667.3), dbSNP rs2499381362, ClinGen allele CA384401424.